The following is an entry in ClinVar:

ClinVar aggregate classification (germline): Uncertain significance. Review status: criteria provided, multiple submitters, no conflicts (2 of 4 stars). 2 submissions from 2 submitters: Uncertain significance (2). Last evaluated 2025-07-30.

Conditions:
Succinate-semialdehyde dehydrogenase deficiency (SSADHD). Also called: 4-HYDROXYBUTYRIC ACIDURIA; GABA METABOLIC DEFECT; Succinic Semialdehyde Dehydrogenase Deficiency; SSADH DEFICIENCY. Identifiers: Orphanet 22, MedGen C0268631, MONDO:0010083, OMIM 271980.

Allele frequency attached by ClinVar (database versions not stated): gnomAD 0.00041; TOPMed 0.00016; gnomAD exomes 0.00007 and 0.00003; ExAC 0.00008; ESP Exome Variant Server 0.00015.
gnomAD v4.1: 90 of 1,613,938 alleles (0.0056%); highest among the groups gnomAD compares: African/African-American, 0.099%; no homozygotes.

Submissions (2):

GeneDx
Classification: Uncertain significance. Last evaluated: 2025-07-30. Review status: criteria provided, single submitter. Criteria: GeneDx Variant Classification Process June 2021. Collection method: clinical testing. Allele origin: germline.
Comment: In silico analysis supports that this missense variant has a deleterious effect on protein structure/function; Has not been previously published as pathogenic or benign to our knowledge; This variant is associated with the following publications: (PMID: 29273096, 32087727)

Labcorp Genetics (formerly Invitae), Labcorp
Classification: Uncertain significance for Succinate-semialdehyde dehydrogenase deficiency. Last evaluated: 2022-09-27. Review status: criteria provided, single submitter. Criteria: Invitae Variant Classification Sherloc (09022015). Collection method: clinical testing. Allele origin: germline.
Comment: This sequence change replaces glycine, which is neutral and non-polar, with serine, which is neutral and polar, at codon 511 of the ALDH5A1 protein (p.Gly511Ser). This variant is present in population databases (rs377658514, gnomAD 0.1%). This variant has not been reported in the literature in individuals affected with ALDH5A1-related conditions. ClinVar contains an entry for this variant (Variation ID: 459981). Algorithms developed to predict the effect of missense changes on protein structure and function (SIFT, PolyPhen-2, Align-GVGD) all suggest that this variant is likely to be disruptive. In summary, the available evidence is currently insufficient to determine the role of this variant in disease. Therefore, it has been classified as a Variant of Uncertain Significance.

NM_001080.3(ALDH5A1):c.1531G>A (p.Gly511Ser)

Gene: ALDH5A1 (aldehyde dehydrogenase 5 family member A1; plus strand). Cytogenetic location: 6p22.3.
Variant type: single nucleotide variant.
Coding change: c.1531G>A on transcript NM_001080.3 (MANE Select); coding-DNA position 1531, G replaced by A.
Protein change: p.Gly511Ser; replaces glycine 511 with serine.
Molecular consequence: missense variant.
Genome position (GRCh38, 1-based): chr6:24,533,635, G>A. VCF-style: chr6-24533635-G-A. GRCh37 (hg19) VCF-style: chr6-24533863-G-A.
Other names: c.1387G>A, p.Gly463Ser (NM_001368954.1); c.1570G>A, p.Gly524Ser (NM_170740.1); short protein forms G511S, G524S, G463S.
Identifiers: ClinVar variation 459981 (VCV000459981.8), dbSNP rs377658514, ClinGen allele CA3656967.